The following is an entry in ClinVar:

ClinVar aggregate classification (germline): Likely pathogenic. Review status: criteria provided, multiple submitters, no conflicts (2 of 4 stars). 3 submissions from 3 submitters: Likely pathogenic (2). 1 of the submissions does not count toward it. Last evaluated 2025-04-12.

Conditions:
Glycosylphosphatidylinositol biosynthesis defect 15. Also called: DEVELOPMENTAL DELAY, EPILEPSY, CEREBELLAR ATROPHY, AND OSTEOPENIA. Identifiers: Orphanet 529665, MedGen C4540520, MONDO:0060627, OMIM 617810.

Allele frequency attached by ClinVar (database versions not stated): gnomAD exomes below 0.00001.
gnomAD v4.1: 1 of 1,613,382 alleles (0.000062%); highest among the groups gnomAD compares: Admixed American, 0.0017%; no homozygotes.

Submissions (3):

Labcorp Genetics (formerly Invitae), Labcorp
Classification: Likely pathogenic. Last evaluated: 2025-04-12. Review status: criteria provided, single submitter. Criteria: Invitae Variant Classification Sherloc (09022015). Collection method: clinical testing. Allele origin: germline.
Comment: This sequence change replaces leucine, which is neutral and non-polar, with proline, which is neutral and non-polar, at codon 291 of the GPAA1 protein (p.Leu291Pro). This variant is not present in population databases (gnomAD no frequency). This missense change has been observed in individual(s) with GPAA1-related conditions (PMID: 29100095). In at least one individual the data is consistent with being in trans (on the opposite chromosome) from a pathogenic variant. It has also been observed to segregate with disease in related individuals. ClinVar contains an entry for this variant (Variation ID: 453247). Invitae Evidence Modeling of protein sequence and biophysical properties (such as structural, functional, and spatial information, amino acid conservation, physicochemical variation, residue mobility, and thermodynamic stability) indicates that this missense variant is expected to disrupt GPAA1 protein function with a positive predictive value of 80%. Experimental studies have shown that this missense change does not substantially affect GPAA1 function (PMID: 29100095). In summary, the currently available evidence indicates that the variant is pathogenic, but additional data are needed to prove that conclusively. Therefore, this variant has been classified as Likely Pathogenic.

SIB Swiss Institute of Bioinformatics
Classification: Likely pathogenic for Glycosylphosphatidylinositol biosynthesis defect 15. Last evaluated: 2018-10-15. Review status: criteria provided, single submitter. Criteria: ACMG Guidelines, 2015. Collection method: curation. Allele origin: germline.
Comment: This variant is interpreted as Likely Pathogenic, for Glycosylphosphatidylinositol biosynthesis defect 15, autosomal recessive. The following ACMG Tag(s) were applied: PP1 => Cosegregation with disease in multiple affected family members in a gene definitively known to cause the disease (PubMed 29100095). PS3 => Well-established functional studies show a deleterious effect (PubMed 29100095). PM2 => Absent from controls (or at extremely low frequency if recessive) in Exome Sequencing Project, 1000 Genomes Project, or Exome Aggregation Consortium. PP3 => Multiple lines of computational evidence support a deleterious effect on the gene or gene product. PM3-Supporting => PM3 downgraded in strength to Supporting (PubMed 29100095).

OMIM
Classification: Pathogenic for GLYCOSYLPHOSPHATIDYLINOSITOL BIOSYNTHESIS DEFECT 15. Last evaluated: 2017-12-15. Review status: no assertion criteria provided. Collection method: literature only. Allele origin: germline. Not counted in ClinVar's aggregate classification.

Literature cited by the submitters: PubMed 29100095 (cited by 3 submitters).

NM_003801.4(GPAA1):c.872T>C (p.Leu291Pro)

Gene: GPAA1 (glycosylphosphatidylinositol anchor attachment 1; plus strand). Cytogenetic location: 8q24.3.
Variant type: single nucleotide variant.
Coding change: c.872T>C on transcript NM_003801.4 (MANE Select); coding-DNA position 872, T replaced by C.
Protein change: p.Leu291Pro; replaces leucine 291 with proline.
Molecular consequence: missense variant.
Genome position (GRCh38, 1-based): chr8:144,084,471, T>C. VCF-style: chr8-144084471-T-C. GRCh37 (hg19) VCF-style: chr8-145139374-T-C.
Other names: short protein forms L291P.
Identifiers: ClinVar variation 453247 (VCV000453247.5), dbSNP rs1010907740, ClinGen allele CA187609888.